The following is an entry in ClinVar:

NM_004484.4(GPC3):c.567T>G (p.Asp189Glu)

Gene: GPC3 (glypican 3; minus strand). Cytogenetic location: Xq26.2.
Variant type: single nucleotide variant.
Coding change: c.567T>G on transcript NM_004484.4 (MANE Select); coding-DNA position 567, T replaced by G.
Protein change: p.Asp189Glu; replaces aspartic acid 189 with glutamic acid.
Molecular consequence: missense variant.
Genome position (GRCh38, 1-based): chrX:133,753,947, A>C on the plus strand (T>G on the coding strand, the complement: GPC3 is on the minus strand). VCF-style: chrX-133753947-A-C. GRCh37 (hg19) VCF-style: chrX-132887974-A-C.
Other names: c.567T>G, p.Asp189Glu (NM_001164617.2); c.519T>G, p.Asp173Glu (NM_001164618.2); c.405T>G, p.Asp135Glu (NM_001164619.2); short protein forms D189E, D135E, D173E.
Identifiers: ClinVar variation 1491399 (VCV001491399.8), dbSNP rs2124480565, ClinGen allele CA414706338.

ClinVar aggregate classification (germline): Uncertain significance (1 of 4 stars; one submission).

Conditions:
Wilms tumor 1 (WT1). Also called: Wilms tumor, somatic. Identifiers: Orphanet 654, MedGen CN033288, MONDO:0008679, OMIM 194070.

Allele frequency attached by ClinVar (database versions not stated): gnomAD exomes below 0.00001.

Submission:

Labcorp Genetics (formerly Invitae), Labcorp
Classification: Uncertain significance for Wilms tumor 1. Last evaluated: 2025-02-20. Review status: criteria provided, single submitter. Criteria: Invitae Variant Classification Sherloc (09022015). Collection method: clinical testing. Allele origin: germline.
Comment: This sequence change replaces aspartic acid, which is acidic and polar, with glutamic acid, which is acidic and polar, at codon 189 of the GPC3 protein (p.Asp189Glu). This variant is not present in population databases (gnomAD no frequency). This variant has not been reported in the literature in individuals affected with GPC3-related conditions. ClinVar contains an entry for this variant (Variation ID: 1491399). An algorithm developed to predict the effect of missense changes on protein structure and function outputs the following: PolyPhen-2: "Benign". The glutamic acid amino acid residue is found in multiple mammalian species, which suggests that this missense change does not adversely affect protein function. In summary, the available evidence is currently insufficient to determine the role of this variant in disease. Therefore, it has been classified as a Variant of Uncertain Significance.